The following is an entry in ClinVar:

NM_024120.5(NDUFAF5):c.593G>A (p.Arg198Gln)

Gene: NDUFAF5 (NADH:ubiquinone oxidoreductase complex assembly factor 5; plus strand). Cytogenetic location: 20p12.1.
Variant type: single nucleotide variant.
Coding change: c.593G>A on transcript NM_024120.5 (MANE Select); coding-DNA position 593, G replaced by A.
Protein change: p.Arg198Gln; replaces arginine 198 with glutamine.
Molecular consequence: missense variant. On other transcripts: non-coding transcript variant (7).
Genome position (GRCh38, 1-based): chr20:13,801,559, G>A. VCF-style: chr20-13801559-G-A. GRCh37 (hg19) VCF-style: chr20-13782205-G-A.
Other names: c.509G>A, p.Arg170Gln (NM_001039375.3); c.122G>A, p.Arg41Gln (NM_001352403.2); c.32G>A, p.Arg11Gln (NM_001352406.2, NM_001352407.2); c.593G>A, p.Arg198Gln (NM_001352408.2); short protein forms R11Q, R170Q, R41Q, R198Q.
Identifiers: ClinVar variation 2524792 (VCV002524792.4), dbSNP rs754470952, ClinGen allele CA9767817.
Genomic context (GRCh38, chr20:13,801,559, plus strand): 5'-TAAAACCAGATGGAGTGTTTATCGGTGCAATGTTTGGAGGCGACACACTCTATGAACTTC[G>A]GTGTTCCTTACAGTTAGCGGAAACGGAAAGGGAAGGAGGATTTTCTCCACACATTTCTCC-3'
Protein context (NP_077025.2, residues 188-208): MFGGDTLYEL[Arg198Gln]CSLQLAETER

ClinVar aggregate classification (germline): Uncertain significance. Review status: criteria provided, multiple submitters, no conflicts (2 of 4 stars). 2 submissions from 2 submitters: Uncertain significance (2). Last evaluated 2023-05-23.

Conditions:
Mitochondrial complex I deficiency, nuclear type 16. Also called: Mitochondrial complex 1 deficiency, nuclear type 16. Identifiers: MedGen C4748785, MONDO:0032621, OMIM 618238.
Inborn genetic diseases. Identifiers: MedGen C0950123, MeSH D030342.

Allele frequency attached by ClinVar (database versions not stated): TOPMed below 0.00001; ExAC 0.00001; gnomAD 0.00001.
gnomAD v4.1: 13 of 1,613,644 alleles (0.00081%); highest among the groups gnomAD compares: East Asian, 0.0067%; no homozygotes.

Submissions (2):

Ambry Genetics
Classification: Uncertain significance for Inborn genetic diseases. Last evaluated: 2023-05-23. Review status: criteria provided, single submitter. Criteria: Ambry Variant Classification Scheme 2023. Collection method: clinical testing. Allele origin: germline.

Juno Genomics, Hangzhou Juno Genomics, Inc
Classification: Uncertain significance for Mitochondrial complex I deficiency, nuclear type 16. Review status: criteria provided, single submitter. Criteria: ACMG Guidelines, 2015. Collection method: clinical testing. Allele origin: germline.
Comment: Absent from controls (or at extremely low frequency if recessive) in Genome Aggregation Database.;Multiple lines of computational evidence support a deleterious effect on the gene or gene product.